The following is an entry in ClinVar:

ClinVar aggregate classification (germline): Likely benign. Review status: criteria provided, multiple submitters, no conflicts (2 of 4 stars). 3 submissions from 3 submitters: Likely benign (3). Last evaluated 2025-12-29.

Allele frequency attached by ClinVar (database versions not stated): ESP Exome Variant Server 0.00008; ExAC 0.00012; gnomAD 0.00013; gnomAD exomes 0.00013 and 0.00014; TOPMed 0.00014.
gnomAD v4.1: 209 of 1,611,578 alleles (0.013%); highest among the groups gnomAD compares: Middle Eastern, 0.1%; no homozygotes.

Submissions (3):

Labcorp Genetics (formerly Invitae), Labcorp
Classification: Likely benign. Last evaluated: 2025-12-29. Review status: criteria provided, single submitter. Criteria: Invitae Variant Classification Sherloc (09022015). Collection method: clinical testing. Allele origin: germline.

Blueprint Genetics
Classification: Likely benign. Last evaluated: 2024-09-26. Review status: criteria provided, single submitter. Criteria: ACMG Guidelines, 2015. Collection method: clinical testing. Allele origin: germline.

CeGaT Center for Human Genetics Tuebingen
Classification: Likely benign. Last evaluated: 2024-06-01. Review status: criteria provided, single submitter. Criteria: CeGaT Center For Human Genetics Tuebingen Variant Classification Criteria Version 2. Collection method: clinical testing. Allele origin: germline. Affected: yes. Observed: 1 variant allele.
Comment: SKIC3: BP4, BP7

NM_014639.4(SKIC3):c.2076C>T (p.Ala692=)

Gene: SKIC3 (SKI3 subunit of superkiller complex; minus strand). Cytogenetic location: 5q15.
Variant type: single nucleotide variant.
Coding change: c.2076C>T on transcript NM_014639.4 (MANE Select); coding-DNA position 2076, C replaced by T.
Protein change: p.Ala692=; no amino-acid change (alanine 692 retained).
Molecular consequence: synonymous variant.
Genome position (GRCh38, 1-based): chr5:95,520,754, G>A on the plus strand (C>T on the coding strand, the complement: SKIC3 is on the minus strand). VCF-style: chr5-95520754-G-A. GRCh37 (hg19) VCF-style: chr5-94856458-G-A.
Identifiers: ClinVar variation 1626357 (VCV001626357.27), dbSNP rs200525903, ClinGen allele CA3347175.
Genomic context (GRCh38, chr5:95,520,754, plus strand): 5'-AAATAATAAGAATAATACGAACCAAGTAAAATATTCCAGTGCTTTTTCTATGTAGTCTAC[G>A]GCTTTTCCATCAAGATAATCAACTAGAGCTGCTTTTGCCATCATAAGATGGCATTCACCC-3'
Protein context (NP_055454.1, residues 682-702): AALVDYLDGK[Ala692=]VDYIEKALEY